The following is an entry in ClinVar:

NM_002528.7(NTHL1):c.721C>A (p.Leu241Met)

Gene: NTHL1 (nth like DNA glycosylase 1; minus strand). Cytogenetic location: 16p13.3.
Variant type: single nucleotide variant.
Coding change: c.721C>A on transcript NM_002528.7 (MANE Select); coding-DNA position 721, C replaced by A.
Protein change: p.Leu241Met; replaces leucine 241 with methionine.
Molecular consequence: missense variant.
Genome position (GRCh38, 1-based): chr16:2,040,203, G>T on the plus strand (C>A on the coding strand, the complement: NTHL1 is on the minus strand). VCF-style: chr16-2040203-G-T. GRCh37 (hg19) VCF-style: chr16-2090204-G-T.
Other names: c.550C>A, p.Leu184Met (NM_001318193.2); c.391C>A, p.Leu131Met (NM_001318194.2); short protein forms L131M, L184M, L241M.
Identifiers: ClinVar variation 4826796 (VCV004826796.1).

ClinVar aggregate classification (germline): Uncertain significance (1 of 4 stars; one submission).

Conditions:
Hereditary cancer-predisposing syndrome. Also called: Neoplastic Syndromes, Hereditary; Tumor predisposition; Hereditary Cancer Syndrome; Hereditary neoplastic syndrome. Identifiers: Orphanet 140162, MedGen C0027672, MeSH D009386, MONDO:0015356.

Submission:

Ambry Genetics
Classification: Uncertain significance for Hereditary cancer-predisposing syndrome. Last evaluated: 2026-03-12. Review status: criteria provided, single submitter. Criteria: Ambry Variant Classification Scheme 2023. Collection method: clinical testing. Allele origin: germline.
Comment: The p.L249M variant (also known as c.745C>A), located in coding exon 5 of the NTHL1 gene, results from a C to A substitution at nucleotide position 745. The leucine at codon 249 is replaced by methionine, an amino acid with highly similar properties. This amino acid position is conserved. In addition, the in silico prediction for this alteration is inconclusive. Based on the available evidence, the clinical significance of this variant remains unclear.